The following is an entry in ClinVar:

NM_000245.4(MET):c.3655A>G (p.Lys1219Glu)

Gene: MET (MET proto-oncogene, receptor tyrosine kinase; plus strand). Cytogenetic location: 7q31.2.
Variant type: single nucleotide variant.
Coding change: c.3655A>G on transcript NM_000245.4 (MANE Select); coding-DNA position 3655, A replaced by G.
Protein change: p.Lys1219Glu; replaces lysine 1219 with glutamic acid.
Molecular consequence: missense variant.
Genome position (GRCh38, 1-based): chr7:116,783,326, A>G. VCF-style: chr7-116783326-A-G. GRCh37 (hg19) VCF-style: chr7-116423380-A-G.
Other names: c.3709A>G, p.Lys1237Glu (NM_001127500.3); c.2365A>G, p.Lys789Glu (NM_001324402.2); short protein forms K789E, K1219E, K1237E.
Identifiers: ClinVar variation 4053975 (VCV004053975.1).

ClinVar aggregate classification (germline): Uncertain significance (1 of 4 stars; one submission).

Conditions:
Hereditary cancer-predisposing syndrome. Also called: Neoplastic Syndromes, Hereditary; Tumor predisposition; Hereditary neoplastic syndrome; Hereditary Cancer Syndrome. Identifiers: Orphanet 140162, MedGen C0027672, MeSH D009386, MONDO:0015356.

Submission:

Ambry Genetics
Classification: Uncertain significance for Hereditary cancer-predisposing syndrome. Last evaluated: 2025-05-19. Review status: criteria provided, single submitter. Criteria: Ambry Variant Classification Scheme 2023. Collection method: clinical testing. Allele origin: germline.
Comment: The p.K1237E variant (also known as c.3709A>G), located in coding exon 18 of the MET gene, results from an A to G substitution at nucleotide position 3709. The lysine at codon 1237 is replaced by glutamic acid, an amino acid with similar properties. This amino acid position is conserved. In addition, this alteration is predicted to be deleterious by in silico analysis. Based on the available evidence, the clinical significance of this variant remains unclear.